The following is an entry in ClinVar:

ClinVar aggregate classification (germline): Uncertain significance (1 of 4 stars; one submission).

Conditions:
Xeroderma pigmentosum, group F (XPF). Also called: XERODERMA PIGMENTOSUM, COMPLEMENTATION GROUP F; XERODERMA PIGMENTOSUM VI; XP, GROUP F; ERCC4-Related Xeroderma Pigmentosum; XERODERMA PIGMENTOSUM, TYPE F; Xeroderma pigmentosum, type 6. Identifiers: MedGen C0268140, MONDO:0010215, OMIM 278760.
Fanconi anemia complementation group Q. Identifiers: Orphanet 84, MedGen C3808988, MONDO:0014108, OMIM 615272.
Cockayne syndrome. Identifiers: Orphanet 191, MedGen C0009207, MONDO:0016006.

Submission:

Labcorp Genetics (formerly Invitae), Labcorp
Classification: Uncertain significance for Fanconi anemia complementation group Q; Xeroderma pigmentosum, group F; Cockayne syndrome. Last evaluated: 2024-07-21. Review status: criteria provided, single submitter. Criteria: Invitae Variant Classification Sherloc (09022015). Collection method: clinical testing. Allele origin: germline.
Comment: This sequence change falls in intron 9 of the ERCC4 gene. It does not directly change the encoded amino acid sequence of the ERCC4 protein. This variant is not present in population databases (gnomAD no frequency). This variant has not been reported in the literature in individuals affected with ERCC4-related conditions. Experimental studies and prediction algorithms are not available or were not evaluated, and the functional significance of this variant is currently unknown. In summary, the available evidence is currently insufficient to determine the role of this variant in disease. Therefore, it has been classified as a Variant of Uncertain Significance.

NM_005236.3(ERCC4):c.1892_1904+41dup

Gene: ERCC4 (ERCC excision repair 4, endonuclease catalytic subunit; plus strand). Cytogenetic location: 16p13.12.
Variant type: Duplication.
Coding change: c.1892_1904+41dup on transcript NM_005236.3 (MANE Select); coding-DNA position 1892 through 41 bases into the intron after coding-DNA position 1904, 54 bases duplicated.
Molecular consequence: splice donor variant.
Genome position (GRCh38, 1-based): chr16:13,937,846-13,937,899, 54 bases duplicated. GRCh37 (hg19): chr16:14,031,703-14,031,756.
Identifiers: ClinVar variation 3757332 (VCV003757332.2).